The following is an entry in ClinVar:

ClinVar aggregate classification (germline): Uncertain significance. Review status: reviewed by expert panel (3 of 4 stars). 3 submissions from 2 submitters: Uncertain significance (1). 2 of the submissions do not count toward it. Last evaluated 2025-11-12.

Conditions:
Open-angle glaucoma. Identifiers: MedGen C0017612, MONDO:0005338, HP:0012108.
Glaucoma. Identifiers: MedGen C0017601, MONDO:0005041, HP:0000501.
Glaucoma 1, open angle, A (GLC1A). Also called: Glaucoma, Dominant (Juvenile Onset). Identifiers: Orphanet 98977, MedGen C1842028, MONDO:0007664, OMIM 137750.

Allele frequency attached by ClinVar (database versions not stated): TOPMed 0.00008; gnomAD 0.00003 and 0.00004; ESP Exome Variant Server 0.00008; 1000 Genomes Project 0.00020; 1000 Genomes Project 30x 0.00031.
gnomAD v4.1: 86 of 1,614,034 alleles (0.0053%); highest among the groups gnomAD compares: East Asian, 0.069%; no homozygotes.

Submissions (3):

ClinGen Glaucoma Variant Curation Expert Panel
Classification: Uncertain significance for Open-angle glaucoma. Last evaluated: 2025-11-12. Review status: reviewed by expert panel. Criteria: ClinGen Glaucoma ACMG Specifications V2.0.0 Approved. Collection method: curation. Allele origin: germline. Inheritance: Autosomal dominant inheritance.
Comment: The c.611C>T variant in MYOC is a missense variant predicted to cause substitution of Threonine by Methionine at amino acid 204 (p.Thr204Met). The highest minor allele frequency of this variant was in the East Asian genetic ancestry group of gnomAD (v4.1.0) = 0.0006908 (31 alleles out of 44,878), which did not meet the PM2_Supporting allele frequency threshold (≤ 0.0001) or the BS1 allele frequency threshold (≥ 0.001). The REVEL score = 0.242, which is within the 0.184-0.290 range for BP4, suggesting that the variant does not impact MYOC function. There was no functional evidence predicting a damaging or benign impact of this variant on MYOC function. This variant has not yet been identified in a proband with juvenile or primary open angle glaucoma, only in participants of the control cohorts. In summary, this variant met the criteria to receive a score of -1 and to be classified as a variant of uncertain significance (uncertain significance classification range -1 to 5, adapted from PMID: 32720330) for primary open angle glaucoma based on the ACMG/AMP criteria met, as specified by the ClinGen Glaucoma VCEP (v2.0.0, 5 Dec 2024): BP4.

Illumina Laboratory Services, Illumina
Classification: Uncertain significance for Glaucoma. Last evaluated: 2018-01-15. Review status: criteria provided, single submitter. Criteria: ICSL Variant Classification Criteria 13 December 2019. Collection method: clinical testing. Allele origin: germline. Not counted in ClinVar's aggregate classification.

Illumina Laboratory Services, Illumina
Classification: Uncertain significance for Glaucoma 1, open angle, A. Last evaluated: 2018-01-15. Review status: criteria provided, single submitter. Criteria: ICSL Variant Classification Criteria 13 December 2019. Collection method: clinical testing. Allele origin: germline. Not counted in ClinVar's aggregate classification.

NM_000261.2(MYOC):c.611C>T (p.Thr204Met)

Gene: MYOC (myocilin; minus strand). Cytogenetic location: 1q24.3.
Variant type: single nucleotide variant.
Coding change: c.611C>T on transcript NM_000261.2 (MANE Select); coding-DNA position 611, C replaced by T.
Protein change: p.Thr204Met; replaces threonine 204 with methionine.
Molecular consequence: missense variant.
Genome position (GRCh38, 1-based): chr1:171,638,716, G>A on the plus strand (C>T on the coding strand, the complement: MYOC is on the minus strand). VCF-style: chr1-171638716-G-A. GRCh37 (hg19) VCF-style: chr1-171607856-G-A.
Other names: NM_000261.2(MYOC):c.611C>T; p.Thr204Met; short protein forms T204M.
Identifiers: ClinVar variation 876022 (VCV000876022.6), dbSNP rs61753850, ClinGen allele CA1244214.